The following is an entry in ClinVar:

ClinVar aggregate classification (germline): Uncertain significance. Review status: criteria provided, multiple submitters, no conflicts (2 of 4 stars). 2 submissions from 2 submitters: Uncertain significance (2). Last evaluated 2025-08-29.

Conditions:
Brugada syndrome 5 (BRGDA5). Identifiers: Orphanet 130, Orphanet 871, MedGen C2748541, MONDO:0013015, OMIM 612838.

Allele frequency attached by ClinVar (database versions not stated): ExAC 0.00001; gnomAD exomes 0.00001.
gnomAD v4.1: 6 of 1,609,182 alleles (0.00037%); highest among the groups gnomAD compares: South Asian, 0.0055%; no homozygotes.

Submissions (2):

Labcorp Genetics (formerly Invitae), Labcorp
Classification: Uncertain significance for Brugada syndrome 5. Last evaluated: 2025-08-29. Review status: criteria provided, single submitter. Criteria: Invitae Variant Classification Sherloc (09022015). Collection method: clinical testing. Allele origin: germline.
Comment: This sequence change replaces alanine, which is neutral and non-polar, with serine, which is neutral and polar, at codon 192 of the SCN1B protein (p.Ala192Ser). This variant is present in population databases (rs746419159, gnomAD 0.007%). This variant has not been reported in the literature in individuals affected with SCN1B-related conditions. ClinVar contains an entry for this variant (Variation ID: 426270). An algorithm developed to predict the effect of missense changes on protein structure and function (PolyPhen-2) suggests that this variant is likely to be tolerated. In summary, the available evidence is currently insufficient to determine the role of this variant in disease. Therefore, it has been classified as a Variant of Uncertain Significance.

GeneDx
Classification: Uncertain significance. Last evaluated: 2017-04-21. Review status: criteria provided, single submitter. Criteria: GeneDx Variant Classification (06012015). Collection method: clinical testing. Allele origin: germline. Affected: yes.
Comment: A variant of uncertain significance has been identified in the SCN1B gene. The A192S variant has not been published as pathogenic or been reported as benign to our knowledge. This variant is not observed at a significant frequency in large population cohorts (Lek et al., 2016; 1000 Genomes Consortium et al., 2015; Exome Variant Server). The A192S variant is a non-conservative amino acid substitution, which is likely to impact secondary protein structure as these residues differ in polarity, charge, size and/or other properties. However, this substitution occurs at a position that is not conserved across species and in silico analysis predicts this variant likely does not alter the protein structure/function. Furthermore, the A192S variant occurs in an alternate transcript where no nearby missense variants have been reported in the Human Gene Mutation Database in association with arrhythmia (Stenson et al., 2014).

NM_001037.5(SCN1B):c.448+126G>T

Gene: SCN1B (sodium voltage-gated channel beta subunit 1; plus strand). Cytogenetic location: 19q13.11.
Variant type: single nucleotide variant.
Coding change: c.448+126G>T on transcript NM_001037.5 (MANE Select); 126 bases into the intron after coding-DNA position 448, G replaced by T.
Molecular consequence: intron variant. On other transcripts: missense variant (1).
Genome position (GRCh38, 1-based): chr19:35,033,865, G>T. VCF-style: chr19-35033865-G-T. GRCh37 (hg19) VCF-style: chr19-35524769-G-T.
Other names: c.574G>T, p.Ala192Ser (NM_199037.5); c.349+126G>T (NM_001321605.2); short protein forms A192S.
Identifiers: ClinVar variation 426270 (VCV000426270.5), dbSNP rs746419159, ClinGen allele CA9372038.